The following is an entry in ClinVar:

NM_032119.4(ADGRV1):c.8324A>G (p.Asp2775Gly)

Gene: ADGRV1 (adhesion G protein-coupled receptor V1; plus strand). Cytogenetic location: 5q14.3.
Variant type: single nucleotide variant.
Coding change: c.8324A>G on transcript NM_032119.4 (MANE Select); coding-DNA position 8324, A replaced by G.
Protein change: p.Asp2775Gly; replaces aspartic acid 2775 with glycine.
Molecular consequence: missense variant. On other transcripts: non-coding transcript variant (1).
Genome position (GRCh38, 1-based): chr5:90,704,426, A>G. VCF-style: chr5-90704426-A-G. GRCh37 (hg19) VCF-style: chr5-90000243-A-G.
Other names: short protein forms D2775G.
Identifiers: ClinVar variation 1057420 (VCV001057420.7), dbSNP rs2149687689, ClinGen allele CA360389823.

ClinVar aggregate classification (germline): Uncertain significance (1 of 4 stars; one submission).

Submission:

Labcorp Genetics (formerly Invitae), Labcorp
Classification: Uncertain significance. Last evaluated: 2021-11-05. Review status: criteria provided, single submitter. Criteria: Invitae Variant Classification Sherloc (09022015). Collection method: clinical testing. Allele origin: germline.
Comment: Algorithms developed to predict the effect of missense changes on protein structure and function are either unavailable or do not agree on the potential impact of this missense change (SIFT: "Deleterious"; PolyPhen-2: "Probably Damaging"; Align-GVGD: "Class C0"). In summary, the available evidence is currently insufficient to determine the role of this variant in disease. Therefore, it has been classified as a Variant of Uncertain Significance. This sequence change replaces aspartic acid, which is acidic and polar, with glycine, which is neutral and non-polar, at codon 2775 of the ADGRV1 protein (p.Asp2775Gly). This variant is not present in population databases (gnomAD no frequency). This variant has not been reported in the literature in individuals affected with ADGRV1-related conditions. ClinVar contains an entry for this variant (Variation ID: 1057420).